The following is an entry in ClinVar:

ClinVar aggregate classification (germline): Pathogenic (1 of 4 stars; one submission).

Conditions:
Kleefstra syndrome 1 (KLEFS1). Identifiers: Orphanet 261494, MedGen C0795833, MONDO:0027407, OMIM 610253.

Submission:

MVZ Praenatalmedizin und Genetik Nuernberg
Classification: Pathogenic for Kleefstra syndrome 1. Last evaluated: 2023-11-30. Review status: criteria provided, single submitter. Criteria: ACMG Guidelines, 2015. Collection method: clinical testing. Allele origin: de novo. Affected: yes.
Comment: This variant leads to a stop codon in exon 12 and is therefore considered pathogenic due to loss of function. Accordingly ClinVar-entries for several downstream loss-of-function variants in this gene are also listed as likely pathogenic or pathogenic.

NM_024757.5(EHMT1):c.1982C>A (p.Ser661Ter)

Gene: EHMT1 (euchromatic histone lysine methyltransferase 1; plus strand). Cytogenetic location: 9q34.3.
Variant type: single nucleotide variant.
Coding change: c.1982C>A on transcript NM_024757.5 (MANE Select); coding-DNA position 1982, C replaced by A.
Protein change: p.Ser661Ter; replaces serine 661 with a stop codon.
Molecular consequence: nonsense.
Genome position (GRCh38, 1-based): chr9:137,776,808, C>A. VCF-style: chr9-137776808-C-A. GRCh37 (hg19) VCF-style: chr9-140671260-C-A.
Other names: c.1982C>A, p.Ser661Ter (NM_001145527.2); c.1889C>A, p.Ser630Ter (NM_001354259.2); c.1961C>A, p.Ser654Ter (NM_001354263.2); short protein forms S630*, S654*, S661*.
Identifiers: ClinVar variation 4813439 (VCV004813439.1).